The following is an entry in ClinVar:

ClinVar aggregate classification (germline): Conflicting classifications of pathogenicity. Review status: criteria provided, conflicting classifications (1 of 4 stars). 6 submissions from 6 submitters: Uncertain significance (2); Likely benign (4). Last evaluated 2026-01-30.

Conditions:
Developmental and epileptic encephalopathy, 1 (DEE1). Also called: OHTAHARA SYNDROME, X-LINKED; Epileptic encephalopathy, early infantile, 1; INFANTILE SPASM SYNDROME, X-LINKED 1; Tonic spasms with clustering, arrest of psychomotor development and hypsarrhythmia on EEG; X-Linked Infantile Spasm Syndrome; X-linked infantile spasms. Identifiers: MedGen C3463992, MONDO:0010632, OMIM 308350. Disease mechanism: loss of function.
Intellectual disability, X-linked, with or without seizures, ARX-related. Also called: Mental retardation, X-linked 52; MENTAL RETARDATION, X-LINKED 29; MENTAL RETARDATION, X-LINKED 32; MENTAL RETARDATION, X-LINKED 33; MENTAL RETARDATION, X-LINKED 38; MENTAL RETARDATION, X-LINKED 43. Identifiers: Orphanet 777, MedGen C0796244, MONDO:0010317, OMIM 300419.
Inborn genetic diseases. Identifiers: MedGen C0950123, MeSH D030342.
epileptic encephalopathy, early infanitle, 1.

Allele frequency attached by ClinVar (database versions not stated): TOPMed 0.00002; gnomAD 0.00003 and 0.00002.
gnomAD v4.1: 10 of 867,828 alleles (0.0012%); highest among the groups gnomAD compares: Admixed American, 0.02%; no homozygotes.

Submissions (6):

Labcorp Genetics (formerly Invitae), Labcorp
Classification: Likely benign for Developmental and epileptic encephalopathy, 1; Intellectual disability, X-linked, with or without seizures, ARX-related. Last evaluated: 2026-01-30. Review status: criteria provided, single submitter. Criteria: Invitae Variant Classification Sherloc (09022015). Collection method: clinical testing. Allele origin: germline.

Mayo Clinic Laboratories, Mayo Clinic
Classification: Likely benign. Last evaluated: 2025-04-02. Review status: criteria provided, single submitter. Criteria: ACMG Guidelines, 2015. Collection method: clinical testing. Allele origin: germline. Observed: 2 variant alleles.
Comment: BP4, BP7

GeneDx
Classification: Likely benign. Last evaluated: 2018-11-27. Review status: criteria provided, single submitter. Criteria: GeneDx Variant Classification Process June 2021. Collection method: clinical testing. Allele origin: germline. Affected: yes.

Ambry Genetics
Classification: Likely benign for Inborn genetic diseases. Last evaluated: 2018-11-21. Review status: criteria provided, single submitter. Criteria: Ambry Variant Classification Scheme 2023. Collection method: clinical testing. Allele origin: germline.

Eurofins Ntd Llc (ga)
Classification: Uncertain significance. Last evaluated: 2018-08-10. Review status: criteria provided, single submitter. Criteria: EGL ClinVar v180209 classification definitions. Collection method: clinical testing. Allele origin: germline. Observed: 1 variant allele, 1 hemizygote.

Genetic Services Laboratory, University of Chicago
Classification: Uncertain significance for epileptic encephalopathy, early infanitle, 1. Last evaluated: 2013-02-08. Review status: criteria provided, single submitter. Criteria: ACMG Guidelines, 2007. Collection method: clinical testing. Allele origin: germline. Inheritance: X-linked inheritance.

NM_139058.3(ARX):c.306G>T (p.Ala102=)

Genes: ARX (aristaless related homeobox; minus strand), LOC109610631 (aristaless related homeobox polyalanine expansion region; plus strand). Cytogenetic location: Xp21.3.
Variant type: single nucleotide variant.
Coding change: c.306G>T on transcript NM_139058.3 (MANE Select); coding-DNA position 306, G replaced by T.
Protein change: p.Ala102=; no amino-acid change (alanine 102 retained).
Molecular consequence: synonymous variant.
Genome position (GRCh38, 1-based): chrX:25,013,689, C>A on the plus strand (G>T on the coding strand, the complement: ARX is on the minus strand). VCF-style: chrX-25013689-C-A. GRCh37 (hg19) VCF-style: chrX-25031806-C-A.
Other names: p.Ala102=.
Identifiers: ClinVar variation 157753 (VCV000157753.25), dbSNP rs587783196, ClinGen allele CA171150.